The following is an entry in ClinVar:

ClinVar aggregate classification (germline): Uncertain significance (1 of 4 stars; one submission).

Conditions:
Oligodontia-cancer predisposition syndrome. Also called: TOOTH AGENESIS-COLORECTAL CANCER SYNDROME. Identifiers: Orphanet 300576, MedGen C1837750, MONDO:0012075, OMIM 608615. Disease mechanism: loss of function.

Submission:

Labcorp Genetics (formerly Invitae), Labcorp
Classification: Uncertain significance for Oligodontia-cancer predisposition syndrome. Last evaluated: 2022-05-29. Review status: criteria provided, single submitter. Criteria: Invitae Variant Classification Sherloc (09022015). Collection method: clinical testing. Allele origin: germline.
Comment: This sequence change replaces threonine, which is neutral and polar, with lysine, which is basic and polar, at codon 735 of the AXIN2 protein (p.Thr735Lys). This variant is not present in population databases (gnomAD no frequency). This variant has not been reported in the literature in individuals affected with AXIN2-related conditions. Algorithms developed to predict the effect of missense changes on protein structure and function (SIFT, PolyPhen-2, Align-GVGD) all suggest that this variant is likely to be tolerated. In summary, the available evidence is currently insufficient to determine the role of this variant in disease. Therefore, it has been classified as a Variant of Uncertain Significance.

NM_004655.4(AXIN2):c.2204C>A (p.Thr735Lys)

Gene: AXIN2 (axin 2; minus strand). Cytogenetic location: 17q24.1.
Variant type: single nucleotide variant.
Coding change: c.2204C>A on transcript NM_004655.4 (MANE Select); coding-DNA position 2204, C replaced by A.
Protein change: p.Thr735Lys; replaces threonine 735 with lysine.
Molecular consequence: missense variant.
Genome position (GRCh38, 1-based): chr17:65,535,659, G>T on the plus strand (C>A on the coding strand, the complement: AXIN2 is on the minus strand). VCF-style: chr17-65535659-G-T. GRCh37 (hg19) VCF-style: chr17-63531777-G-T.
Other names: c.2009C>A, p.Thr670Lys (NM_001363813.1); short protein forms T735K, T670K.
Identifiers: ClinVar variation 2000528 (VCV002000528.4), dbSNP rs746350974, ClinGen allele CA400675756.